The following is an entry in ClinVar:

ClinVar aggregate classification (germline): Uncertain significance. Review status: criteria provided, multiple submitters, no conflicts (2 of 4 stars). 2 submissions from 2 submitters: Uncertain significance (2). Last evaluated 2024-01-22.

Conditions:
Alstrom syndrome (ALMS). Identifiers: Orphanet 64, MedGen C0268425, MONDO:0008763, OMIM 203800.

Submissions (2):

Labcorp Genetics (formerly Invitae), Labcorp
Classification: Uncertain significance for Alstrom syndrome. Last evaluated: 2024-01-22. Review status: criteria provided, single submitter. Criteria: Invitae Variant Classification Sherloc (09022015). Collection method: clinical testing. Allele origin: germline.
Comment: This sequence change replaces threonine, which is neutral and polar, with isoleucine, which is neutral and non-polar, at codon 3834 of the ALMS1 protein (p.Thr3834Ile). This variant is not present in population databases (gnomAD no frequency). This variant has not been reported in the literature in individuals affected with ALMS1-related conditions. ClinVar contains an entry for this variant (Variation ID: 1505384). Experimental studies and prediction algorithms are not available or were not evaluated, and the functional significance of this variant is currently unknown. In summary, the available evidence is currently insufficient to determine the role of this variant in disease. Therefore, it has been classified as a Variant of Uncertain Significance.

Fulgent Genetics
Classification: Uncertain significance for Alstrom syndrome. Last evaluated: 2022-04-13. Review status: criteria provided, single submitter. Criteria: ACMG Guidelines, 2015. Collection method: clinical testing. Allele origin: unknown.

NM_001378454.1(ALMS1):c.11498C>T (p.Thr3833Ile)

Gene: ALMS1 (ALMS1 centrosome and basal body associated protein; plus strand). Cytogenetic location: 2p13.1.
Variant type: single nucleotide variant.
Coding change: c.11498C>T on transcript NM_001378454.1 (MANE Select); coding-DNA position 11498, C replaced by T.
Protein change: p.Thr3833Ile; replaces threonine 3833 with isoleucine.
Molecular consequence: missense variant.
Genome position (GRCh38, 1-based): chr2:73,573,375, C>T. VCF-style: chr2-73573375-C-T. GRCh37 (hg19) VCF-style: chr2-73800502-C-T.
Other names: c.11501C>T, p.Thr3834Ile (NM_015120.4); short protein forms T3833I, T3834I.
Identifiers: ClinVar variation 1505384 (VCV001505384.6), dbSNP rs776648380, ClinGen allele CA347290431.
Genomic context (GRCh38, chr2:73,573,375, plus strand): 5'-CCAACCAACAGAGGAGATACCTTGAGAAGCGGAGCAAACACAGCAAGAAAGTGCTGAATA[C>T]AGGTCATCCCCTAGTGACTTCTGAGCACACCAGAAGGAGACACATCCAGGTACATGGCTA-3'
Protein context (NP_001365383.1, residues 3823-3843): RSKHSKKVLN[Thr3833Ile]GHPLVTSEHT